The following is an entry in ClinVar:

NM_002055.5(GFAP):c.1171+143C>T

Gene: GFAP (glial fibrillary acidic protein; minus strand). Cytogenetic location: 17q21.31.
Variant type: single nucleotide variant.
Coding change: c.1171+143C>T on transcript NM_002055.5 (MANE Select); 143 bases into the intron after coding-DNA position 1171, C replaced by T.
Molecular consequence: intron variant. On other transcripts: synonymous variant (1).
Genome position (GRCh38, 1-based): chr17:44,910,472, G>A on the plus strand (C>T on the coding strand, the complement: GFAP is on the minus strand). VCF-style: chr17-44910472-G-A. GRCh37 (hg19) VCF-style: chr17-42987840-G-A.
Other names: c.1314C>T, p.Ser438= (NM_001242376.3); c.1171+143C>T (NM_001363846.2, NM_001131019.3).
Identifiers: ClinVar variation 2647840 (VCV002647840.24), dbSNP rs2508930099, ClinGen allele CA500321107.

ClinVar aggregate classification (germline): Likely benign (1 of 4 stars; one submission).

Submission:

CeGaT Center for Human Genetics Tuebingen
Classification: Likely benign. Last evaluated: 2023-05-01. Review status: criteria provided, single submitter. Criteria: CeGaT Center For Human Genetics Tuebingen Variant Classification Criteria Version 2. Collection method: clinical testing. Allele origin: germline. Affected: yes. Observed: 1 variant allele.
Comment: GFAP: PM2:Supporting, BP4, BP7